The following is an entry in ClinVar:

NM_006397.3(RNASEH2A):c.393G>C (p.Gln131His)

Gene: RNASEH2A (ribonuclease H2 subunit A; plus strand). Cytogenetic location: 19p13.13.
Variant type: single nucleotide variant.
Coding change: c.393G>C on transcript NM_006397.3 (MANE Select); coding-DNA position 393, G replaced by C.
Protein change: p.Gln131His; replaces glutamine 131 with histidine.
Molecular consequence: missense variant.
Genome position (GRCh38, 1-based): chr19:12,807,488, G>C. VCF-style: chr19-12807488-G-C. GRCh37 (hg19) VCF-style: chr19-12918302-G-C.
Other names: short protein forms Q131H.
Identifiers: ClinVar variation 1348059 (VCV001348059.6), dbSNP rs2145825149, ClinGen allele CA404266449.

ClinVar aggregate classification (germline): Uncertain significance (1 of 4 stars; one submission).

Conditions:
Aicardi-Goutieres syndrome 4. Identifiers: Orphanet 51, MedGen C1835912, MONDO:0012472, OMIM 610333.

Submission:

Labcorp Genetics (formerly Invitae), Labcorp
Classification: Uncertain significance for Aicardi-Goutieres syndrome 4. Last evaluated: 2024-07-01. Review status: criteria provided, single submitter. Criteria: Invitae Variant Classification Sherloc (09022015). Collection method: clinical testing. Allele origin: germline.
Comment: This sequence change replaces glutamine, which is neutral and polar, with histidine, which is basic and polar, at codon 131 of the RNASEH2A protein (p.Gln131His). This variant is not present in population databases (gnomAD no frequency). This variant has not been reported in the literature in individuals affected with RNASEH2A-related conditions. ClinVar contains an entry for this variant (Variation ID: 1348059). Advanced modeling of protein sequence and biophysical properties (such as structural, functional, and spatial information, amino acid conservation, physicochemical variation, residue mobility, and thermodynamic stability) performed at Invitae indicates that this missense variant is not expected to disrupt RNASEH2A protein function with a negative predictive value of 80%. In summary, the available evidence is currently insufficient to determine the role of this variant in disease. Therefore, it has been classified as a Variant of Uncertain Significance.